The following is an entry in ClinVar:

ClinVar aggregate classification (germline): Uncertain significance (1 of 4 stars; one submission).

Conditions:
Inborn genetic diseases. Identifiers: MedGen C0950123, MeSH D030342.

Submission:

Ambry Genetics
Classification: Uncertain significance for Inborn genetic diseases. Last evaluated: 2025-05-01. Review status: criteria provided, single submitter. Criteria: Ambry Variant Classification Scheme 2023. Collection method: clinical testing. Allele origin: germline.
Comment: The p.A221P variant (also known as c.661G>C), located in coding exon 8 of the ASXL1 gene, results from a G to C substitution at nucleotide position 661. The alanine at codon 221 is replaced by proline, an amino acid with highly similar properties. This amino acid position is conserved. In addition, this alteration is predicted to be tolerated by in silico analysis. Based on the available evidence, the clinical significance of this variant remains unclear.

NM_015338.6(ASXL1):c.661G>C (p.Ala221Pro)

Gene: ASXL1 (ASXL transcriptional regulator 1; plus strand). Cytogenetic location: 20q11.21.
Variant type: single nucleotide variant.
Coding change: c.661G>C on transcript NM_015338.6 (MANE Select); coding-DNA position 661, G replaced by C.
Protein change: p.Ala221Pro; replaces alanine 221 with proline.
Molecular consequence: missense variant. On other transcripts: intron variant (1).
Genome position (GRCh38, 1-based): chr20:32,429,996, G>C. VCF-style: chr20-32429996-G-C. GRCh37 (hg19) VCF-style: chr20-31017799-G-C.
Other names: c.535+565G>C (NM_001363734.1); short protein forms A221P.
Identifiers: ClinVar variation 3956566 (VCV003956566.1).